The following is an entry in ClinVar:

ClinVar aggregate classification (germline): Uncertain significance (1 of 4 stars; one submission).

Allele frequency attached by ClinVar (database versions not stated): ExAC 0.00003; gnomAD 0.00003; gnomAD exomes 0.00003 and 0.00006; TOPMed 0.00003.
gnomAD v4.1: 92 of 1,613,118 alleles (0.0057%); highest among the groups gnomAD compares: Middle Eastern, 0.016%; no homozygotes.

Submission:

Labcorp Genetics (formerly Invitae), Labcorp
Classification: Uncertain significance. Last evaluated: 2025-09-15. Review status: criteria provided, single submitter. Criteria: Invitae Variant Classification Sherloc (09022015). Collection method: clinical testing. Allele origin: germline.
Comment: This sequence change replaces asparagine, which is neutral and polar, with serine, which is neutral and polar, at codon 502 of the IL23R protein (p.Asn502Ser). This variant is present in population databases (rs748364447, gnomAD 0.006%). This variant has not been reported in the literature in individuals affected with IL23R-related conditions. ClinVar contains an entry for this variant (Variation ID: 1001726). An algorithm developed to predict the effect of missense changes on protein structure and function outputs the following: PolyPhen-2: "Benign". The serine amino acid residue is found in multiple mammalian species, which suggests that this missense change does not adversely affect protein function. In summary, the available evidence is currently insufficient to determine the role of this variant in disease. Therefore, it has been classified as a Variant of Uncertain Significance.

NM_144701.3(IL23R):c.1505A>G (p.Asn502Ser)

Gene: IL23R (interleukin 23 receptor; plus strand). Cytogenetic location: 1p31.3.
Variant type: single nucleotide variant.
Coding change: c.1505A>G on transcript NM_144701.3 (MANE Select); coding-DNA position 1505, A replaced by G.
Protein change: p.Asn502Ser; replaces asparagine 502 with serine.
Molecular consequence: missense variant.
Genome position (GRCh38, 1-based): chr1:67,258,743, A>G. VCF-style: chr1-67258743-A-G. GRCh37 (hg19) VCF-style: chr1-67724426-A-G.
Other names: short protein forms N502S.
Identifiers: ClinVar variation 1001726 (VCV001001726.8), dbSNP rs748364447, ClinGen allele CA900026.